The following is an entry in ClinVar:

ClinVar aggregate classification (germline): Uncertain significance (1 of 4 stars; one submission).

Conditions:
Brachyolmia-amelogenesis imperfecta syndrome. Also called: Tooth agenesis, selective, 6; Dental anomalies and short stature; PLATYSPONDYLY WITH AMELOGENESIS IMPERFECTA. Identifiers: Orphanet 2899, MedGen C1832594, MONDO:0011018, OMIM 601216. Disease mechanism: loss of function.

Submission:

Labcorp Genetics (formerly Invitae), Labcorp
Classification: Uncertain significance for Brachyolmia-amelogenesis imperfecta syndrome. Last evaluated: 2022-11-13. Review status: criteria provided, single submitter. Criteria: Invitae Variant Classification Sherloc (09022015). Collection method: clinical testing. Allele origin: germline.
Comment: This sequence change replaces aspartic acid, which is acidic and polar, with valine, which is neutral and non-polar, at codon 1120 of the LTBP3 protein (p.Asp1120Val). In summary, the available evidence is currently insufficient to determine the role of this variant in disease. Therefore, it has been classified as a Variant of Uncertain Significance. Algorithms developed to predict the effect of missense changes on protein structure and function (SIFT, PolyPhen-2, Align-GVGD) all suggest that this variant is likely to be tolerated. This variant has not been reported in the literature in individuals affected with LTBP3-related conditions. This variant is not present in population databases (gnomAD no frequency).

NM_001130144.3(LTBP3):c.3359A>T (p.Asp1120Val)

Genes: LTBP3 (latent transforming growth factor beta binding protein 3; minus strand), LOC130006027 (ATAC-STARR-seq lymphoblastoid silent region 3530; plus strand). Cytogenetic location: 11q13.1.
Variant type: single nucleotide variant.
Coding change: c.3359A>T on transcript NM_001130144.3 (MANE Select); coding-DNA position 3359, A replaced by T.
Protein change: p.Asp1120Val; replaces aspartic acid 1120 with valine.
Molecular consequence: missense variant. On other transcripts: intron variant (2).
Genome position (GRCh38, 1-based): chr11:65,540,039, T>A on the plus strand (A>T on the coding strand, the complement: LTBP3 is on the minus strand). VCF-style: chr11-65540039-T-A. GRCh37 (hg19) VCF-style: chr11-65307510-T-A.
Other names: c.2894-158A>T (NM_001164266.1); c.3245-158A>T (NM_021070.4); short protein forms D1120V.
Identifiers: ClinVar variation 2727680 (VCV002727680.3), dbSNP rs2496118904, ClinGen allele CA381267065.